The following is an entry in ClinVar:

NM_000535.7(PMS2):c.868T>C (p.Phe290Leu)

Gene: PMS2 (PMS1 homolog 2, mismatch repair system component; minus strand). Cytogenetic location: 7p22.1.
Variant type: single nucleotide variant.
Coding change: c.868T>C on transcript NM_000535.7 (MANE Select); coding-DNA position 868, T replaced by C.
Protein change: p.Phe290Leu; replaces phenylalanine 290 with leucine.
Molecular consequence: missense variant. On other transcripts: 5 prime UTR variant (2), non-coding transcript variant (1).
Genome position (GRCh38, 1-based): chr7:5,995,569, A>G on the plus strand (T>C on the coding strand, the complement: PMS2 is on the minus strand). VCF-style: chr7-5995569-A-G. GRCh37 (hg19) VCF-style: chr7-6035200-A-G.
Other names: c.463T>C, p.Phe155Leu (NM_001322003.2, NM_001322004.2, NM_001322005.2 and 2 more transcripts); c.868T>C, p.Phe290Leu (NM_001322006.2, NM_001322014.2); c.550T>C, p.Phe184Leu (NM_001322007.2, NM_001322008.2); c.-66T>C (NM_001322011.2, NM_001322012.2); c.295T>C, p.Phe99Leu (NM_001322013.2); c.559T>C, p.Phe187Leu (NM_001322015.2); short protein forms F290L, F155L, F187L, F184L, F99L.
Identifiers: ClinVar variation 142937 (VCV000142937.8), dbSNP rs587782833, ClinGen allele CA013086.
Genomic context (GRCh38, chr7:5,995,569, plus strand): 5'-ACTAACACAAAAAAATTTTAAATACCTTTGCTGGGTCACAAGGCCGCCGGTTGATAAAGA[A>G]AAACTGTCTGTCTGTTGAACTCCTTCCAACTCCATGCGTGCATTGTGAAATGAAACCTGA-3'
Protein context (NP_000526.2, residues 280-300): VGRSSTDRQF[Phe290Leu]FINRRPCDPA

ClinVar aggregate classification (germline): Uncertain significance. Review status: criteria provided, multiple submitters, no conflicts (2 of 4 stars). 3 submissions from 3 submitters: Uncertain significance (3). Last evaluated 2023-06-16.

Conditions:
Hereditary cancer-predisposing syndrome. Also called: Hereditary Cancer Syndrome; Neoplastic Syndromes, Hereditary; Hereditary neoplastic syndrome; Tumor predisposition. Identifiers: Orphanet 140162, MedGen C0027672, MeSH D009386, MONDO:0015356.
Lynch syndrome 4 (LYNCH4). Also called: Colorectal cancer, hereditary nonpolyposis, type 4; Hereditary non-polyposis colorectal cancer, type 4. Identifiers: Orphanet 144, MedGen C1838333, MONDO:0013699, OMIM 614337. Disease mechanism: loss of function.

Submissions (3):

Baylor Genetics
Classification: Uncertain significance for Lynch syndrome 4. Last evaluated: 2023-06-16. Review status: criteria provided, single submitter. Criteria: ACMG Guidelines, 2015. Collection method: clinical testing. Allele origin: unknown.

GeneDx
Classification: Uncertain significance. Last evaluated: 2021-05-18. Review status: criteria provided, single submitter. Criteria: GeneDx Variant Classification Process June 2021. Collection method: clinical testing. Allele origin: germline. Affected: yes.
Comment: Not observed in large population cohorts (Lek 2016); In silico analysis supports that this missense variant has a deleterious effect on protein structure/function; Has not been previously published as pathogenic or benign to our knowledge

Ambry Genetics
Classification: Uncertain significance for Hereditary cancer-predisposing syndrome. Last evaluated: 2021-05-06. Review status: criteria provided, single submitter. Criteria: Ambry Variant Classification Scheme 2023. Collection method: clinical testing. Allele origin: germline.
Comment: The p.F290L variant (also known as c.868T>C), located in coding exon 8 of the PMS2 gene, results from a T to C substitution at nucleotide position 868. The phenylalanine at codon 290 is replaced by leucine, an amino acid with highly similar properties. This amino acid position is well conserved in available vertebrate species. In addition, the in silico prediction for this alteration is inconclusive. Since supporting evidence is limited at this time, the clinical significance of this alteration remains unclear.